The following is an entry in ClinVar:

NM_003108.4(SOX11):c.597G>T (p.Val199=)

Gene: SOX11 (SRY-box transcription factor 11; plus strand). Cytogenetic location: 2p25.2.
Variant type: single nucleotide variant.
Coding change: c.597G>T on transcript NM_003108.4 (MANE Select); coding-DNA position 597, G replaced by T.
Protein change: p.Val199=; no amino-acid change (valine 199 retained).
Molecular consequence: synonymous variant.
Genome position (GRCh38, 1-based): chr2:5,693,318, G>T. VCF-style: chr2-5693318-G-T. GRCh37 (hg19) VCF-style: chr2-5833450-G-T.
Other names: c.597G>T (NM_003108.3).
Identifiers: ClinVar variation 2075352 (VCV002075352.33), dbSNP rs750388803, ClinGen allele CA1517865.

ClinVar aggregate classification (germline): Likely benign. Review status: criteria provided, multiple submitters, no conflicts (2 of 4 stars). 3 submissions from 3 submitters: Likely benign (2). 1 of the submissions does not count toward it. Last evaluated 2026-08-01.

Conditions:
SOX11-related disorder. Also called: SOX11-related condition.

Allele frequency attached by ClinVar (database versions not stated): 1000 Genomes Project 30x 0.00016; gnomAD 0.00026; TOPMed 0.00032.
gnomAD v4.1: 735 of 1,583,952 alleles (0.046%); highest among the groups gnomAD compares: Non-Finnish European, 0.058%; no homozygotes.

Submissions (3):

CeGaT Center for Human Genetics Tuebingen
Classification: Likely benign. Last evaluated: 2026-08-01. Review status: criteria provided, single submitter. Criteria: CeGaT Center For Human Genetics Tuebingen Variant Classification Criteria Version 2. Collection method: clinical testing. Allele origin: germline. Affected: yes. Observed: 4 variant alleles.
Comment: SOX11: BP4, BP7

Labcorp Genetics (formerly Invitae), Labcorp
Classification: Likely benign. Last evaluated: 2026-01-15. Review status: criteria provided, single submitter. Criteria: Invitae Variant Classification Sherloc (09022015). Collection method: clinical testing. Allele origin: germline.

PreventionGenetics, part of Exact Sciences
Classification: Likely benign for SOX11-related condition. Last evaluated: 2019-06-06. Review status: no assertion criteria provided. Collection method: clinical testing. Allele origin: germline. Not counted in ClinVar's aggregate classification.
Comment: This variant is classified as likely benign based on ACMG/AMP sequence variant interpretation guidelines (Richards et al. 2015 PMID: 25741868, with internal and published modifications).